The following is an entry in ClinVar:

NM_000632.4(ITGAM):c.432T>A (p.Cys144Ter)

Gene: ITGAM (integrin subunit alpha M; plus strand). Cytogenetic location: 16p11.2.
Variant type: single nucleotide variant.
Coding change: c.432T>A on transcript NM_000632.4 (MANE Select); coding-DNA position 432, T replaced by A.
Protein change: p.Cys144Ter; replaces cysteine 144 with a stop codon.
Molecular consequence: nonsense.
Genome position (GRCh38, 1-based): chr16:31,270,958, T>A. VCF-style: chr16-31270958-T-A. GRCh37 (hg19) VCF-style: chr16-31282279-T-A.
Other names: c.432T>A, p.Cys144Ter (NM_001145808.2); short protein forms C144*.
Identifiers: ClinVar variation 2090324 (VCV002090324.4), dbSNP rs2079832708, ClinGen allele CA395688618.

ClinVar aggregate classification (germline): Uncertain significance (1 of 4 stars; one submission).

Submission:

Labcorp Genetics (formerly Invitae), Labcorp
Classification: Uncertain significance. Last evaluated: 2022-01-27. Review status: criteria provided, single submitter. Criteria: Invitae Variant Classification Sherloc (09022015). Collection method: clinical testing. Allele origin: germline.
Comment: This variant is not present in population databases (gnomAD no frequency). In summary, the available evidence is currently insufficient to determine the role of this variant in disease. Therefore, it has been classified as a Variant of Uncertain Significance. This variant has not been reported in the literature in individuals affected with ITGAM-related conditions. This sequence change creates a premature translational stop signal (p.Cys144*) in the ITGAM gene. It is expected to result in an absent or disrupted protein product. However, the current clinical and genetic evidence is not sufficient to establish whether loss-of-function variants in ITGAM cause disease.